The following is an entry in ClinVar:

NM_054027.6(ANKH):c.610C>T (p.Arg204Cys)

Gene: ANKH (ANKH inorganic pyrophosphate transport regulator; minus strand). Cytogenetic location: 5p15.2.
Variant type: single nucleotide variant.
Coding change: c.610C>T on transcript NM_054027.6 (MANE Select); coding-DNA position 610, C replaced by T.
Protein change: p.Arg204Cys; replaces arginine 204 with cysteine.
Molecular consequence: missense variant.
Genome position (GRCh38, 1-based): chr5:14,751,146, G>A on the plus strand (C>T on the coding strand, the complement: ANKH is on the minus strand). VCF-style: chr5-14751146-G-A. GRCh37 (hg19) VCF-style: chr5-14751255-G-A.
Other names: short protein forms R204C.
Identifiers: ClinVar variation 2175071 (VCV002175071.4), dbSNP rs1440219037, ClinGen allele CA359248206.

ClinVar aggregate classification (germline): Uncertain significance (1 of 4 stars; one submission).

Allele frequency attached by ClinVar (database versions not stated): gnomAD exomes below 0.00001; gnomAD 0.00001; TOPMed 0.00001.
gnomAD v4.1: 6 of 1,614,110 alleles (0.00037%); highest among the groups gnomAD compares: African/African-American, 0.0013%; no homozygotes.

Submission:

Labcorp Genetics (formerly Invitae), Labcorp
Classification: Uncertain significance. Last evaluated: 2022-03-11. Review status: criteria provided, single submitter. Criteria: Invitae Variant Classification Sherloc (09022015). Collection method: clinical testing. Allele origin: germline.
Comment: In summary, the available evidence is currently insufficient to determine the role of this variant in disease. Therefore, it has been classified as a Variant of Uncertain Significance. Algorithms developed to predict the effect of missense changes on protein structure and function (SIFT, PolyPhen-2, Align-GVGD) all suggest that this variant is likely to be disruptive. This variant has not been reported in the literature in individuals affected with ANKH-related conditions. This variant is not present in population databases (gnomAD no frequency). This sequence change replaces arginine, which is basic and polar, with cysteine, which is neutral and slightly polar, at codon 204 of the ANKH protein (p.Arg204Cys).